The following is an entry in ClinVar:

ClinVar aggregate classification (germline): Benign. Review status: criteria provided, single submitter (1 of 4 stars). 2 submissions from 2 submitters: Benign (1). 1 of the submissions does not count toward it. Last evaluated 2025-08-04.

Conditions:
Rubinstein-Taybi syndrome due to EP300 haploinsufficiency. Also called: EP300-Related Rubinstein-Taybi Syndrome; RUBINSTEIN-TAYBI SYNDROME 2. Identifiers: Orphanet 353284, Orphanet 783, MedGen C3150941, MONDO:0013364, OMIM 613684.
EP300-related disorder. Also called: EP300-related condition; EP300-related disorders.

Allele frequency attached by ClinVar (database versions not stated): gnomAD 0.00005; TOPMed 0.00007; ESP Exome Variant Server 0.00015.

Submissions (2):

Labcorp Genetics (formerly Invitae), Labcorp
Classification: Benign for Rubinstein-Taybi syndrome due to EP300 haploinsufficiency. Last evaluated: 2025-08-04. Review status: criteria provided, single submitter. Criteria: Invitae Variant Classification Sherloc (09022015). Collection method: clinical testing. Allele origin: germline.

PreventionGenetics, part of Exact Sciences
Classification: Likely benign for EP300-related condition. Last evaluated: 2022-03-29. Review status: no assertion criteria provided. Collection method: clinical testing. Allele origin: germline. Not counted in ClinVar's aggregate classification.
Comment: This variant is classified as likely benign based on ACMG/AMP sequence variant interpretation guidelines (Richards et al. 2015 PMID: 25741868, with internal and published modifications).

NM_001429.4(EP300):c.6418G>A (p.Val2140Ile)

Gene: EP300 (EP300 lysine acetyltransferase; plus strand). Cytogenetic location: 22q13.2.
Variant type: single nucleotide variant.
Coding change: c.6418G>A on transcript NM_001429.4 (MANE Select); coding-DNA position 6418, G replaced by A.
Protein change: p.Val2140Ile; replaces valine 2140 with isoleucine.
Molecular consequence: missense variant.
Genome position (GRCh38, 1-based): chr22:41,178,129, G>A. VCF-style: chr22-41178129-G-A. GRCh37 (hg19) VCF-style: chr22-41574133-G-A.
Other names: c.6418G>A (NM_001429.3); c.6340G>A, p.Val2114Ile (NM_001362843.2); short protein forms V2140I, V2114I.
Identifiers: ClinVar variation 2060168 (VCV002060168.6), dbSNP rs367685222, ClinGen allele CA10253851.